The following is an entry in ClinVar:

NM_000059.4(BRCA2):c.5921C>G (p.Thr1974Ser)

Gene: BRCA2 (BRCA2 DNA repair associated; plus strand). Cytogenetic location: 13q13.1.
Variant type: single nucleotide variant.
Coding change: c.5921C>G on transcript NM_000059.4 (MANE Select); coding-DNA position 5921, C replaced by G.
Protein change: p.Thr1974Ser; replaces threonine 1974 with serine.
Molecular consequence: missense variant.
Genome position (GRCh38, 1-based): chr13:32,340,276, C>G. VCF-style: chr13-32340276-C-G. GRCh37 (hg19) VCF-style: chr13-32914413-C-G.
Other names: c.5921C>G (NM_000059.3); short protein forms T1974S.
Identifiers: ClinVar variation 1484947 (VCV001484947.8), dbSNP rs55730620, ClinGen allele CA387787535.

ClinVar aggregate classification (germline): Conflicting classifications of pathogenicity. Review status: criteria provided, conflicting classifications (1 of 4 stars). 3 submissions from 3 submitters: Uncertain significance (2); Likely benign (1). Last evaluated 2025-12-17.

Conditions:
Hereditary breast ovarian cancer syndrome. Also called: Hereditary breast and ovarian cancer syndrome (HBOC); Hereditary breast and ovarian cancer; Breast and ovarian cancer; Hereditary breast and/or ovarian cancer syndrome; BRCA1- and BRCA2-Associated Hereditary Breast and Ovarian Cancer; Hereditary breast and ovarian cancer syndrome. Identifiers: Orphanet 145, MedGen C0677776, MeSH D061325, MONDO:0003582. Disease mechanism: loss of function.
Hereditary cancer-predisposing syndrome. Also called: Neoplastic Syndromes, Hereditary; Tumor predisposition; Hereditary Cancer Syndrome; Hereditary neoplastic syndrome. Identifiers: Orphanet 140162, MedGen C0027672, MeSH D009386, MONDO:0015356.

Submissions (3):

Ambry Genetics
Classification: Uncertain significance for Hereditary cancer-predisposing syndrome. Last evaluated: 2025-12-17. Review status: criteria provided, single submitter. Criteria: Ambry Variant Classification Scheme 2023. Collection method: clinical testing. Allele origin: germline.
Comment: The p.T1974S variant (also known as c.5921C>G), located in coding exon 10 of the BRCA2 gene, results from a C to G substitution at nucleotide position 5921. The threonine at codon 1974 is replaced by serine, an amino acid with similar properties. This amino acid position is not well conserved in available vertebrate species. In addition, this alteration is predicted to be tolerated by in silico analysis. Based on the available evidence, the clinical significance of this variant remains unclear.

Labcorp Genetics (formerly Invitae), Labcorp
Classification: Uncertain significance for Hereditary breast ovarian cancer syndrome. Last evaluated: 2025-02-25. Review status: criteria provided, single submitter. Criteria: Invitae Variant Classification Sherloc (09022015). Collection method: clinical testing. Allele origin: germline.
Comment: This sequence change replaces threonine, which is neutral and polar, with serine, which is neutral and polar, at codon 1974 of the BRCA2 protein (p.Thr1974Ser). This variant is not present in population databases (gnomAD no frequency). This variant has not been reported in the literature in individuals affected with BRCA2-related conditions. ClinVar contains an entry for this variant (Variation ID: 1484947). Invitae Evidence Modeling of protein sequence and biophysical properties (such as structural, functional, and spatial information, amino acid conservation, physicochemical variation, residue mobility, and thermodynamic stability) indicates that this missense variant is not expected to disrupt BRCA2 protein function with a negative predictive value of 95%. In summary, the available evidence is currently insufficient to determine the role of this variant in disease. Therefore, it has been classified as a Variant of Uncertain Significance.

University of Washington Department of Laboratory Medicine, University of Washington
Classification: Likely benign for Hereditary cancer-predisposing syndrome. Last evaluated: 2023-03-23. Review status: criteria provided, single submitter. Criteria: Dines et al. (Genet Med. 2020). Collection method: curation. Allele origin: germline.
Comment: Missense variant in a coldspot region where missense variants are very unlikely to be pathogenic (PMID:31911673).

BRCA2 exon 11 coldspot. Reclassification based on statistical prior probability.